The following is an entry in ClinVar:

NM_006230.4(POLD2):c.1249+17G>A

Gene: POLD2 (DNA polymerase delta 2, accessory subunit; minus strand). Cytogenetic location: 7p13.
Variant type: single nucleotide variant.
Coding change: c.1249+17G>A on transcript NM_006230.4 (MANE Select); 17 bases into the intron after coding-DNA position 1249, G replaced by A.
Molecular consequence: intron variant.
Genome position (GRCh38, 1-based): chr7:44,115,278, C>T on the plus strand (G>A on the coding strand, the complement: POLD2 is on the minus strand). VCF-style: chr7-44115278-C-T. GRCh37 (hg19) VCF-style: chr7-44154877-C-T.
Other names: c.1249+17G>A (NM_001127218.3, NM_001256879.2).
Identifiers: ClinVar variation 4770319 (VCV004770319.1).

ClinVar aggregate classification (germline): Uncertain significance (1 of 4 stars; one submission).

Submission:

Labcorp Genetics (formerly Invitae), Labcorp
Classification: Uncertain significance. Last evaluated: 2025-12-29. Review status: criteria provided, single submitter. Criteria: Invitae Variant Classification Sherloc (09022015). Collection method: clinical testing. Allele origin: germline.
Comment: This sequence change falls in intron 10 of the POLD2 gene. It does not directly change the encoded amino acid sequence of the POLD2 protein. This variant is not present in population databases (gnomAD no frequency). This variant has not been reported in the literature in individuals affected with POLD2-related conditions. Algorithms developed to predict the effect of sequence changes on RNA splicing suggest that this variant may create or strengthen a splice site. In summary, the available evidence is currently insufficient to determine the role of this variant in disease. Therefore, it has been classified as a Variant of Uncertain Significance.